The following is an entry in ClinVar:

NM_000038.6(APC):c.759C>T (p.Gly253=)

Gene: APC (APC regulator of Wnt signaling pathway; plus strand). Cytogenetic location: 5q22.2.
Variant type: single nucleotide variant.
Coding change: c.759C>T on transcript NM_000038.6 (MANE Select); coding-DNA position 759, C replaced by T.
Protein change: p.Gly253=; no amino-acid change (glycine 253 retained).
Molecular consequence: synonymous variant. On other transcripts: 5 prime UTR variant (1).
Genome position (GRCh38, 1-based): chr5:112,801,308, C>T. VCF-style: chr5-112801308-C-T. GRCh37 (hg19) VCF-style: chr5-112137005-C-T.
Other names: c.759C>T, p.Gly253= (NM_001127510.3, NM_001354895.2, NM_001354896.2 and 1 more transcripts); c.705C>T, p.Gly235= (NM_001127511.3); c.789C>T, p.Gly263= (NM_001354897.2, NM_001354902.2); c.684C>T, p.Gly228= (NM_001354898.2, NM_001354904.2); c.675C>T, p.Gly225= (NM_001354899.2); c.582C>T, p.Gly194= (NM_001354900.2, NM_001354901.2, NM_001354905.2); c.-277C>T (NM_001354906.2).
Identifiers: ClinVar variation 416738 (VCV000416738.21), dbSNP rs746850663, ClinGen allele CA16611616.
Genomic context (GRCh38, chr5:112,801,308, plus strand): 5'-GCATGTACTGATGTTAACTCCATCTTAACAGAGGTCATCTCAGAACAAGCATGAAACCGG[C>T]TCACATGATGCTGAGCGGCAGAATGAAGGTCAAGGAGTGGGAGAAATCAACATGGCAACT-3'
Protein context (NP_000029.2, residues 243-263): ERSSQNKHET[Gly253=]SHDAERQNEG

ClinVar aggregate classification (germline): Benign/Likely benign. Review status: criteria provided, multiple submitters, no conflicts (2 of 4 stars). 6 submissions from 6 submitters: Benign (2); Likely benign (4). Last evaluated 2025-06-03.

Conditions:
Familial adenomatous polyposis 1 (FAP1). Also called: FAMILIAL ADENOMATOUS POLYPOSIS 1, ATTENUATED; POLYPOSIS, ADENOMATOUS INTESTINAL. Identifiers: MedGen C2713442, MONDO:0021056, OMIM 175100. Disease mechanism: loss of function.
Classic or attenuated familial adenomatous polyposis. Identifiers: MedGen CN372698, MONDO:0021057.
Hereditary cancer-predisposing syndrome. Also called: Tumor predisposition; Neoplastic Syndromes, Hereditary; Hereditary neoplastic syndrome; Hereditary Cancer Syndrome. Identifiers: Orphanet 140162, MedGen C0027672, MeSH D009386, MONDO:0015356.

Allele frequency attached by ClinVar (database versions not stated): TOPMed below 0.00001.
gnomAD v4.1: 8 of 1,613,028 alleles (0.0005%); highest among the groups gnomAD compares: Non-Finnish European, 0.00068%; no homozygotes.

Submissions (6):

Labcorp Genetics (formerly Invitae), Labcorp
Classification: Likely benign for Familial adenomatous polyposis 1. Last evaluated: 2025-06-03. Review status: criteria provided, single submitter. Criteria: Invitae Variant Classification Sherloc (09022015). Collection method: clinical testing. Allele origin: germline.

KCCC/NGS Laboratory, Kuwait Cancer Control Center
Classification: Benign for Familial adenomatous polyposis 1. Last evaluated: 2025-02-01. Review status: criteria provided, single submitter. Criteria: ACMG Guidelines, 2015. Collection method: clinical testing. Allele origin: germline. Affected: no.

Myriad Genetics, Inc.
Classification: Benign for Familial adenomatous polyposis 1. Last evaluated: 2024-02-26. Review status: criteria provided, single submitter. Criteria: Myriad Autosomal Dominant, Autosomal Recessive and X-Linked Classification Criteria (2023). Collection method: clinical testing. Allele origin: unknown.
Comment: This variant is considered benign. This variant is a silent/synonymous amino acid change and it is not expected to impact splicing.

Department of Pathology and Laboratory Medicine, Sinai Health System
Classification: Likely benign for classic or attenuated familial adenomatous polyposis. Last evaluated: 2020-05-15. Review status: criteria provided, single submitter. Criteria: ACMG Guidelines, 2015. Collection method: clinical testing. Allele origin: germline.

Color Diagnostics, LLC DBA Color Health
Classification: Likely benign for Hereditary cancer-predisposing syndrome. Last evaluated: 2019-05-14. Review status: criteria provided, single submitter. Criteria: ACMG Guidelines, 2015. Collection method: clinical testing. Allele origin: germline.

Ambry Genetics
Classification: Likely benign for Hereditary cancer-predisposing syndrome. Last evaluated: 2018-12-07. Review status: criteria provided, single submitter. Criteria: Ambry Variant Classification Scheme 2023. Collection method: clinical testing. Allele origin: germline.